The following is an entry in ClinVar:

NM_003235.5(TG):c.864A>G (p.Gln288=)

Gene: TG (thyroglobulin; plus strand). Cytogenetic location: 8q24.22.
Variant type: single nucleotide variant.
Coding change: c.864A>G on transcript NM_003235.5 (MANE Select); coding-DNA position 864, A replaced by G.
Protein change: p.Gln288=; no amino-acid change (glutamine 288 retained).
Molecular consequence: synonymous variant.
Genome position (GRCh38, 1-based): chr8:132,882,587, A>G. VCF-style: chr8-132882587-A-G. GRCh37 (hg19) VCF-style: chr8-133894832-A-G.
Identifiers: ClinVar variation 2991549 (VCV002991549.4), dbSNP rs781406485, ClinGen allele CA4883023.

ClinVar aggregate classification (germline): Likely benign. Review status: criteria provided, multiple submitters, no conflicts (2 of 4 stars). 2 submissions from 2 submitters: Likely benign (2). Last evaluated 2024-09-26.

Allele frequency attached by ClinVar (database versions not stated): gnomAD exomes below 0.00001; ExAC 0.00001.
gnomAD v4.1: 5 of 1,614,228 alleles (0.00031%); highest among the groups gnomAD compares: Admixed American, 0.0033%; no homozygotes.

Submissions (2):

Women's Health and Genetics/Laboratory Corporation of America, LabCorp
Classification: Likely benign. Last evaluated: 2024-09-26. Review status: criteria provided, single submitter. Criteria: LabCorp Variant Classification Summary - May 2015. Collection method: clinical testing. Allele origin: germline.
Comment: Variant summary: TG c.864A>G alters a non-conserved nucleotide resulting in a synonymous change. Consensus agreement among computation tools predict no significant impact on normal splicing. However, these predictions have yet to be confirmed by functional studies. The variant allele was found at a frequency of 8e-06 in 251490 control chromosomes (gnomAD). The available data on variant occurrences in the general population are insufficient to allow any conclusion about variant significance. c.864A>G has been reported in the literature in individuals affected with TG-Related Disorders (examples: Zhou_2023, Zhang_2023). These report(s) do not provide unequivocal conclusions about association of the variant with TG-Related Disorders. To our knowledge, no experimental evidence demonstrating an impact on protein function has been reported. The following publications have been ascertained in the context of this evaluation (PMID: 37390946, 38105685). ClinVar contains an entry for this variant (Variation ID: 2991549). Based on the evidence outlined above, the variant was classified as likely benign.

Labcorp Genetics (formerly Invitae), Labcorp
Classification: Likely benign. Last evaluated: 2023-03-26. Review status: criteria provided, single submitter. Criteria: Invitae Variant Classification Sherloc (09022015). Collection method: clinical testing. Allele origin: germline.

Literature cited by the submitters: PubMed 37390946 (cited by Women's Health and Genetics/Laboratory Corporation of America, LabCorp); PubMed 38105685 (cited by Women's Health and Genetics/Laboratory Corporation of America, LabCorp).